The following is an entry in ClinVar:

ClinVar aggregate classification (germline): Uncertain significance (1 of 4 stars; one submission).

Conditions:
RYR1-related disorder. Also called: RYR1-related disorders; RYR1-related condition. Identifiers: MedGen CN239331.

Submission:

Labcorp Genetics (formerly Invitae), Labcorp
Classification: Uncertain significance for RYR1-related disorder. Last evaluated: 2025-02-21. Review status: criteria provided, single submitter. Criteria: Invitae Variant Classification Sherloc (09022015). Collection method: clinical testing. Allele origin: germline.
Comment: This sequence change replaces proline, which is neutral and non-polar, with arginine, which is basic and polar, at codon 4761 of the RYR1 protein (p.Pro4761Arg). This variant is not present in population databases (gnomAD no frequency). This variant has not been reported in the literature in individuals affected with RYR1-related conditions. ClinVar contains an entry for this variant (Variation ID: 936613). Invitae Evidence Modeling of protein sequence and biophysical properties (such as structural, functional, and spatial information, amino acid conservation, physicochemical variation, residue mobility, and thermodynamic stability) indicates that this missense variant is not expected to disrupt RYR1 protein function with a negative predictive value of 80%. In summary, the available evidence is currently insufficient to determine the role of this variant in disease. Therefore, it has been classified as a Variant of Uncertain Significance.

NM_000540.3(RYR1):c.14282C>G (p.Pro4761Arg)

Gene: RYR1 (ryanodine receptor 1; plus strand). Cytogenetic location: 19q13.2.
Variant type: single nucleotide variant.
Coding change: c.14282C>G on transcript NM_000540.3 (MANE Select); coding-DNA position 14282, C replaced by G.
Protein change: p.Pro4761Arg; replaces proline 4761 with arginine.
Molecular consequence: missense variant.
Genome position (GRCh38, 1-based): chr19:38,578,027, C>G. VCF-style: chr19-38578027-C-G. GRCh37 (hg19) VCF-style: chr19-39068667-C-G.
Other names: c.14267C>G, p.Pro4756Arg (NM_001042723.2); short protein forms P4761R, P4756R.
Identifiers: ClinVar variation 936613 (VCV000936613.6), dbSNP rs373919284, ClinGen allele CA405684788.
Genomic context (GRCh38, chr19:38,578,027, plus strand): 5'-TACTGGGCATGGACCTGGCCACACTAGAGATCACAGCCCACAATGAGCGCAAGCCCAACC[C>G]GCCGCCAGGGCTGCTGACCTGGTGAGCCCAGGACACCCCTGCACAGGCCTGGGGCATGCA-3'
Protein context (NP_000531.2, residues 4751-4771): ITAHNERKPN[Pro4761Arg]PPGLLTWLMS